The following is an entry in ClinVar:

NM_015175.3(NBEAL2):c.474-4C>T

Gene: NBEAL2 (neurobeachin like 2; plus strand). Cytogenetic location: 3p21.31.
Variant type: single nucleotide variant.
Coding change: c.474-4C>T on transcript NM_015175.3 (MANE Select); 4 bases into the intron before coding-DNA position 474, C replaced by T.
Molecular consequence: intron variant.
Genome position (GRCh38, 1-based): chr3:46,989,507, C>T. VCF-style: chr3-46989507-C-T. GRCh37 (hg19) VCF-style: chr3-47030997-C-T.
Other names: p.?; c.453-4C>T (NM_001365116.2).
Identifiers: ClinVar variation 345616 (VCV000345616.10), dbSNP rs375726193, ClinGen allele CA2360127.

ClinVar aggregate classification (germline): Conflicting classifications of pathogenicity. Review status: criteria provided, conflicting classifications (1 of 4 stars). 4 submissions from 4 submitters: Uncertain significance (1); Likely benign (3). Last evaluated 2025-09-25.

Conditions:
Gray platelet syndrome (GPS). Also called: BLEEDING DISORDER, PLATELET-TYPE, 4. Identifiers: Orphanet 721, MedGen C0272302, MONDO:0007686, OMIM 139090.

Allele frequency attached by ClinVar (database versions not stated): TOPMed 0.00010; 1000 Genomes Project 30x 0.00031; 1000 Genomes Project 0.00040.
gnomAD v4.1: 251 of 1,587,736 alleles (0.016%); highest among the groups gnomAD compares: Middle Eastern, 0.46%; no homozygotes.

Submissions (4):

Mayo Clinic Laboratories, Mayo Clinic
Classification: Likely benign. Last evaluated: 2025-09-25. Review status: criteria provided, single submitter. Criteria: ACMG Guidelines, 2015. Collection method: clinical testing. Allele origin: germline. Observed: 1 variant allele.
Comment: BP4, BP7

Blueprint Genetics
Classification: Likely benign. Last evaluated: 2024-11-07. Review status: criteria provided, single submitter. Criteria: ACMG Guidelines, 2015. Collection method: clinical testing. Allele origin: germline.

Labcorp Genetics (formerly Invitae), Labcorp
Classification: Likely benign. Last evaluated: 2018-08-08. Review status: criteria provided, single submitter. Criteria: Invitae Variant Classification Sherloc (09022015). Collection method: clinical testing. Allele origin: germline.

Illumina Laboratory Services, Illumina
Classification: Uncertain significance for Gray platelet syndrome. Last evaluated: 2018-01-12. Review status: criteria provided, single submitter. Criteria: ICSL Variant Classification Criteria 13 December 2019. Collection method: clinical testing. Allele origin: germline.